The following is an entry in ClinVar:

ClinVar aggregate classification (germline): Uncertain significance (1 of 4 stars; one submission).

Allele frequency attached by ClinVar (database versions not stated): gnomAD exomes below 0.00001; ESP Exome Variant Server 0.00008; gnomAD 0.00001; TOPMed below 0.00001; ExAC 0.00001.

Submission:

Labcorp Genetics (formerly Invitae), Labcorp
Classification: Uncertain significance. Last evaluated: 2022-06-13. Review status: criteria provided, single submitter. Criteria: Invitae Variant Classification Sherloc (09022015). Collection method: clinical testing. Allele origin: germline.
Comment: In summary, the available evidence is currently insufficient to determine the role of this variant in disease. Therefore, it has been classified as a Variant of Uncertain Significance. Algorithms developed to predict the effect of missense changes on protein structure and function (SIFT, PolyPhen-2, Align-GVGD) all suggest that this variant is likely to be tolerated. This variant has not been reported in the literature in individuals affected with PAX1-related conditions. This variant is present in population databases (rs367916170, gnomAD 0.0009%). This sequence change replaces glycine, which is neutral and non-polar, with serine, which is neutral and polar, at codon 275 of the PAX1 protein (p.Gly275Ser).

NM_001257096.2(PAX1):c.823G>A (p.Gly275Ser)

Gene: PAX1 (paired box 1; plus strand). Cytogenetic location: 20p11.22.
Variant type: single nucleotide variant.
Coding change: c.823G>A on transcript NM_001257096.2 (MANE Select); coding-DNA position 823, G replaced by A.
Protein change: p.Gly275Ser; replaces glycine 275 with serine.
Molecular consequence: missense variant.
Genome position (GRCh38, 1-based): chr20:21,706,974, G>A. VCF-style: chr20-21706974-G-A. GRCh37 (hg19) VCF-style: chr20-21687612-G-A.
Other names: c.823G>A, p.Gly275Ser (NM_006192.5); short protein forms G275S.
Identifiers: ClinVar variation 1482158 (VCV001482158.6), dbSNP rs367916170, ClinGen allele CA9786569.